The following is an entry in ClinVar:

NM_002180.3(IGHMBP2):c.2397C>T (p.Thr799=)

Gene: IGHMBP2 (immunoglobulin mu DNA binding protein 2; plus strand). Cytogenetic location: 11q13.3.
Variant type: single nucleotide variant.
Coding change: c.2397C>T on transcript NM_002180.3 (MANE Select); coding-DNA position 2397, C replaced by T.
Protein change: p.Thr799=; no amino-acid change (threonine 799 retained).
Molecular consequence: synonymous variant.
Genome position (GRCh38, 1-based): chr11:68,936,877, C>T. VCF-style: chr11-68936877-C-T. GRCh37 (hg19) VCF-style: chr11-68704345-C-T.
Identifiers: ClinVar variation 509016 (VCV000509016.14), dbSNP rs763818374, ClinGen allele CA6153904.

ClinVar aggregate classification (germline): Likely benign. Review status: criteria provided, multiple submitters, no conflicts (2 of 4 stars). 4 submissions from 4 submitters: Likely benign (4). Last evaluated 2026-07-01.

Conditions:
Inborn genetic diseases. Identifiers: MedGen C0950123, MeSH D030342.
Autosomal recessive distal spinal muscular atrophy 1. Also called: NEURONOPATHY, DISTAL HEREDITARY MOTOR, HARDING TYPE VI; NEUROPATHY, DISTAL HEREDITARY MOTOR, AUTOSOMAL RECESSIVE 1; SEVERE INFANTILE AXONAL NEUROPATHY WITH RESPIRATORY FAILURE; SPINAL MUSCULAR ATROPHY, DIAPHRAGMATIC; HMN VI; NEURONOPATHY, SEVERE INFANTILE AXONAL, WITH RESPIRATORY FAILURE. Identifiers: Orphanet 98920, MedGen C1858517, MONDO:0011436, OMIM 604320.
Charcot-Marie-Tooth disease axonal type 2S. Also called: CHARCOT-MARIE-TOOTH NEUROPATHY, TYPE 2S; CHARCOT-MARIE-TOOTH DISEASE, AXONAL, AUTOSOMAL RECESSIVE, TYPE 2S. Identifiers: Orphanet 443073, MedGen C4015349, MONDO:0014511, OMIM 616155.

Allele frequency attached by ClinVar (database versions not stated): gnomAD 0.00001; gnomAD exomes 0.00002; ExAC 0.00003; TOPMed 0.00005.
gnomAD v4.1: 20 of 1,610,750 alleles (0.0012%); highest among the groups gnomAD compares: Admixed American, 0.018%; no homozygotes.

Submissions (4):

CeGaT Center for Human Genetics Tuebingen
Classification: Likely benign. Last evaluated: 2026-07-01. Review status: criteria provided, single submitter. Criteria: CeGaT Center For Human Genetics Tuebingen Variant Classification Criteria Version 2. Collection method: clinical testing. Allele origin: germline. Affected: yes. Observed: 1 variant allele.
Comment: IGHMBP2: BP4, BP7

Labcorp Genetics (formerly Invitae), Labcorp
Classification: Likely benign for Autosomal recessive distal spinal muscular atrophy 1; Charcot-Marie-Tooth disease axonal type 2S. Last evaluated: 2025-12-01. Review status: criteria provided, single submitter. Criteria: Invitae Variant Classification Sherloc (09022015). Collection method: clinical testing. Allele origin: germline.

Ambry Genetics
Classification: Likely benign for Inborn genetic diseases. Last evaluated: 2019-07-11. Review status: criteria provided, single submitter. Criteria: Ambry Variant Classification Scheme 2023. Collection method: clinical testing. Allele origin: germline.

GeneDx
Classification: Likely benign. Last evaluated: 2017-04-17. Review status: criteria provided, single submitter. Criteria: GeneDx Variant Classification (06012015). Collection method: clinical testing. Allele origin: germline. Affected: yes.
Comment: This variant is considered likely benign or benign based on one or more of the following criteria: it is a conservative change, it occurs at a poorly conserved position in the protein, it is predicted to be benign by multiple in silico algorithms, and/or has population frequency not consistent with disease.